The following is an entry in ClinVar:

NM_003036.4(SKI):c.209C>T (p.Pro70Leu)

Gene: SKI (SKI proto-oncogene; plus strand). Cytogenetic location: 1p36.33.
Variant type: single nucleotide variant.
Coding change: c.209C>T on transcript NM_003036.4 (MANE Select); coding-DNA position 209, C replaced by T.
Protein change: p.Pro70Leu; replaces proline 70 with leucine.
Molecular consequence: missense variant.
Genome position (GRCh38, 1-based): chr1:2,228,975, C>T. VCF-style: chr1-2228975-C-T. GRCh37 (hg19) VCF-style: chr1-2160414-C-T.
Other names: short protein forms P70L.
Identifiers: ClinVar variation 856283 (VCV000856283.11), dbSNP rs994969301, ClinGen allele CA16871552.

ClinVar aggregate classification (germline): Conflicting classifications of pathogenicity. Review status: criteria provided, conflicting classifications (1 of 4 stars). 2 submissions from 2 submitters: Uncertain significance (1); Likely benign (1). Last evaluated 2025-01-19.

Conditions:
Familial thoracic aortic aneurysm and aortic dissection (TAAD). Also called: Thoracic aortic aneurysms and dissections. Identifiers: Orphanet 91387, MedGen C4707243, MONDO:0019625.
Shprintzen-Goldberg syndrome (SGS). Also called: Marfanoid disorder with craniosynostosis type 1; Marfanoid craniosynostosis syndrome; Shprintzen-Goldberg marfanoid syndrome; SHPRINTZEN-GOLDBERG CRANIOSYNOSTOSIS SYNDROME; CRANIOSYNOSTOSIS WITH ARACHNODACTYLY AND ABDOMINAL HERNIAS. Identifiers: Orphanet 2462, MedGen C1321551, MONDO:0008426, OMIM 182212.

Allele frequency attached by ClinVar (database versions not stated): gnomAD 0.00002; TOPMed 0.00002.
gnomAD v4.1: 5 of 1,456,984 alleles (0.00034%); highest among the groups gnomAD compares: African/African-American, 0.0059%; no homozygotes.

Submissions (2):

Labcorp Genetics (formerly Invitae), Labcorp
Classification: Likely benign for Shprintzen-Goldberg syndrome. Last evaluated: 2025-01-19. Review status: criteria provided, single submitter. Criteria: Invitae Variant Classification Sherloc (09022015). Collection method: clinical testing. Allele origin: germline.

Ambry Genetics
Classification: Uncertain significance for Familial thoracic aortic aneurysm and aortic dissection. Last evaluated: 2024-08-03. Review status: criteria provided, single submitter. Criteria: Ambry Variant Classification Scheme 2023. Collection method: clinical testing. Allele origin: germline.
Comment: The p.P70L variant (also known as c.209C>T), located in coding exon 1 of the SKI gene, results from a C to T substitution at nucleotide position 209. The proline at codon 70 is replaced by leucine, an amino acid with similar properties. This amino acid position is conserved. In addition, the in silico prediction for this alteration is inconclusive. Based on the available evidence, the clinical significance of this variant remains unclear.